The following is an entry in ClinVar:

ClinVar aggregate classification (germline): Likely benign. Review status: criteria provided, multiple submitters, no conflicts (2 of 4 stars). 3 submissions from 3 submitters: Likely benign (3). Last evaluated 2025-09-05.

Conditions:
SLC25A3-related disorder. Also called: SLC25A3-related condition.

Allele frequency attached by ClinVar (database versions not stated): gnomAD 0.00001.

Submissions (3):

Labcorp Genetics (formerly Invitae), Labcorp
Classification: Likely benign. Last evaluated: 2025-09-05. Review status: criteria provided, single submitter. Criteria: Invitae Variant Classification Sherloc (09022015). Collection method: clinical testing. Allele origin: germline.

PreventionGenetics, part of Exact Sciences
Classification: Likely benign for SLC25A3-related condition. Last evaluated: 2025-03-31. Review status: criteria provided, single submitter. Criteria: ACMG Guidelines, 2015. Collection method: clinical testing. Allele origin: germline.
Comment: This variant is classified as likely benign based on ACMG/AMP sequence variant interpretation guidelines (Richards et al. 2015 PMID: 25741868, with internal and published modifications).

Blueprint Genetics
Classification: Likely benign. Last evaluated: 2024-11-11. Review status: criteria provided, single submitter. Criteria: ACMG Guidelines, 2015. Collection method: clinical testing. Allele origin: germline.

NM_002635.4(SLC25A3):c.18G>A (p.Ala6=)

Gene: SLC25A3 (solute carrier family 25 member 3; plus strand). Cytogenetic location: 12q23.1.
Variant type: single nucleotide variant.
Coding change: c.18G>A on transcript NM_002635.4 (MANE Select); coding-DNA position 18, G replaced by A.
Protein change: p.Ala6=; no amino-acid change (alanine 6 retained).
Molecular consequence: synonymous variant.
Genome position (GRCh38, 1-based): chr12:98,593,996, G>A. VCF-style: chr12-98593996-G-A. GRCh37 (hg19) VCF-style: chr12-98987774-G-A.
Other names: c.18G>A, p.Ala6= (NM_005888.4, NM_213611.3); c.18G>A (NM_005888.3).
Identifiers: ClinVar variation 1974730 (VCV001974730.7), dbSNP rs1010475093, ClinGen allele CA481452911.